The following is an entry in ClinVar:

ClinVar aggregate classification (germline): Likely benign (0 of 4 stars; one submission).

Conditions:
GABRA6-related disorder. Also called: GABRA6-related condition.

Allele frequency attached by ClinVar (database versions not stated): ESP Exome Variant Server 0.00015.
gnomAD v4.1: 193 of 1,609,278 alleles (0.012%); highest among the groups gnomAD compares: Middle Eastern, 0.016%; no homozygotes.

Submission:

PreventionGenetics, part of Exact Sciences
Classification: Likely benign for GABRA6-related condition. Last evaluated: 2019-11-04. Review status: no assertion criteria provided. Collection method: clinical testing. Allele origin: germline.
Comment: This variant is classified as likely benign based on ACMG/AMP sequence variant interpretation guidelines (Richards et al. 2015 PMID: 25741868, with internal and published modifications).

NM_000811.3(GABRA6):c.561G>T (p.Thr187=)

Gene: GABRA6 (gamma-aminobutyric acid type A receptor subunit alpha6; plus strand). Cytogenetic location: 5q34.
Variant type: single nucleotide variant.
Coding change: c.561G>T on transcript NM_000811.3 (MANE Select); coding-DNA position 561, G replaced by T.
Protein change: p.Thr187=; no amino-acid change (threonine 187 retained).
Molecular consequence: synonymous variant.
Genome position (GRCh38, 1-based): chr5:161,689,667, G>T. VCF-style: chr5-161689667-G-T. GRCh37 (hg19) VCF-style: chr5-161116673-G-T.
Identifiers: ClinVar variation 3045735 (VCV003045735.2), dbSNP rs200710979, ClinGen allele CA3543948.